The following is an entry in ClinVar:

ClinVar aggregate classification (germline): Pathogenic (1 of 4 stars; one submission).

Conditions:
DICER1-related tumor predisposition. Also called: DICER1-related pleuropulmonary blastoma cancer predisposition syndrome; DICER1 syndrome. Identifiers: Orphanet 284343, MedGen C3839822, MONDO:0100216.

Submission:

Labcorp Genetics (formerly Invitae), Labcorp
Classification: Pathogenic for DICER1-related tumor predisposition. Last evaluated: 2022-06-13. Review status: criteria provided, single submitter. Criteria: Invitae Variant Classification Sherloc (09022015). Collection method: clinical testing. Allele origin: germline.
Comment: For these reasons, this variant has been classified as Pathogenic. Algorithms developed to predict the effect of sequence changes on RNA splicing suggest that this variant may create or strengthen a splice site. This variant has not been reported in the literature in individuals affected with DICER1-related conditions. This variant is not present in population databases (gnomAD no frequency). This sequence change creates a premature translational stop signal (p.Cys1648Valfs*12) in the DICER1 gene. It is expected to result in an absent or disrupted protein product. Loss-of-function variants in DICER1 are known to be pathogenic (PMID: 19556464, 21266384).

Literature cited by the submitters: PubMed 19556464; PubMed 21266384.

NM_177438.3(DICER1):c.4942del (p.Cys1648fs)

Gene: DICER1 (dicer 1, ribonuclease III; minus strand). Cytogenetic location: 14q32.13.
Variant type: Deletion.
Coding change: c.4942del on transcript NM_177438.3 (MANE Select); coding-DNA position 4942, one base deleted (T; older notation c.4942delT).
Protein change: p.Cys1648fs; shifts the reading frame from cysteine 1648.
Molecular consequence: frameshift variant. On other transcripts: non-coding transcript variant (6).
Genome position (GRCh38, 1-based): chr14:95,095,978, A deleted on the plus strand (T on the coding strand, the reverse complement: DICER1 is on the minus strand). VCF-style (leftmost placement, unchanged base first): chr14-95095977-CA-C. GRCh37 (hg19) VCF-style: chr14-95562314-CA-C.
Other names: c.4942del, p.Cys1648fs (NM_001195573.1, NM_001271282.3, NM_001291628.2 and 12 more transcripts); c.4942delT, p.Cys1648Valfs (NM_001395681.1); c.4660del, p.Cys1554fs (NM_001395686.1); c.4537del, p.Cys1513fs (NM_001395687.1, NM_001395688.1, NM_001395689.1 and 2 more transcripts); c.4375del, p.Cys1459fs (NM_001395691.1); c.3259del, p.Cys1087fs (NM_001395697.1); short protein forms C1459fs, C1513fs, C1648fs, C1087fs, C1554fs.
Identifiers: ClinVar variation 2078399 (VCV002078399.4), dbSNP rs2542480045, ClinGen allele CA2580088955.